The following continues an entry in ClinVar:

NM_024675.4(PALB2):c.3549C>G (p.Tyr1183Ter)

Gene: PALB2. ClinVar aggregate classification (germline): Pathogenic/Likely pathogenic. Pathogenic (22); Likely pathogenic (3).

Submissions 23 to 31 of 31:

ARUP Laboratories, Molecular Genetics and Genomics, ARUP Laboratories
Classification: Pathogenic. Last evaluated: 2017-05-09. Review status: criteria provided, single submitter. Criteria: ARUP Molecular Germline Variant Investigation Process. Collection method: clinical testing. Allele origin: germline.
Comment: The PALB2 c.3549C>G;p.Tyr1183Ter variant has been described in individuals and families affected with breast cancer and Fanconi anemia (Rahman 2007, Reid 2007, Tischkowitz 2012). This variant removes four amino acids thought to be critical in the protein structure, which may destabilize the protein (Oliver 2009). In support of this theory, cells derived from individuals with this variant do not produce PALB2 protein (Reid 2007). The variant is listed in the ClinVar database (Variation ID: 1245) and the dbSNP variant database (rs118203998) with an allele frequency of 0.001625 percent in the Genome Aggregation Database. Considering available information, this variant is classified as pathogenic. Pathogenic PALB2 variants increase susceptibility to breast and pancreatic cancer (OMIM#601355). References: Oliver AW et al. Structural basis for recruitment of BRCA2 by PALB2. EMBO Rep. 2009 Sep;10(9):990-6. Rahman N et al. PALB2, which encodes a BRCA2-interacting protein, is a breast cancer susceptibility gene. Nat Genet. 2007 Feb;39(2):165-7. Reid S et al. Biallelic mutations in PALB2 cause Fanconi anemia subtype FA-N and predispose to childhood cancer. Nat Genet. 2007 Feb;39(2):162-4. Tischkowitz M et al. Rare germline mutations in PALB2 and breast cancer risk: a population-based study. Hum Mutat. 2012 Apr;33(4):674-80.

University of Washington Department of Laboratory Medicine, University of Washington
Classification: Pathogenic for Hereditary cancer-predisposing syndrome. Last evaluated: 2015-11-20. Review status: criteria provided, single submitter. Criteria: Shirts et al. (Genet Med 2016). Collection method: clinical testing. Allele origin: germline. Affected: yes. Observed: 1 variant allele.

Cancer Genetics Laboratory, Peter MacCallum Cancer Centre
Classification: Likely pathogenic for Familial cancer of breast. Last evaluated: 2015-06-01. Review status: criteria provided, single submitter. Criteria: Thompson et al. (Breast Cancer Res. 2015). Collection method: case-control. Allele origin: germline. Affected: yes. Observed: 1 variant allele, 1 heterozygote.

Leiden Open Variation Database
Classification: Pathogenic. Last evaluated: 2019-05-13. Review status: no assertion criteria provided. Collection method: curation. Allele origin: germline. Affected: yes. Not counted in ClinVar's aggregate classification.
Comment: Curators: Marc Tischkowitz, Arleen D. Auerbach. Submitters to LOVD: Arleen D. Auerbach, LOVD-team, but with Curator vacancy, Marc Tischkowitz.

Counsyl
Classification: Pathogenic for Familial cancer of breast. Last evaluated: 2015-11-13. Review status: no assertion criteria provided. Collection method: clinical testing. Allele origin: unknown. Not counted in ClinVar's aggregate classification.

ITMI
No classification provided. Condition: AllHighlyPenetrant. Last evaluated: 2013-09-19. Review status: no classification provided. Collection method: reference population. Allele origin: germline. Not counted in ClinVar's aggregate classification.
Comment: Please see associated publication for description of ethnicities

OMIM
Classification: Pathogenic for FANCONI ANEMIA, COMPLEMENTATION GROUP N. Last evaluated: 2007-02-01. Review status: no assertion criteria provided. Collection method: literature only. Allele origin: germline. Not counted in ClinVar's aggregate classification.

OMIM
Classification: risk factor for BREAST-OVARIAN CANCER, FAMILIAL, SUSCEPTIBILITY TO, 5. Last evaluated: 2007-02-01. Review status: no assertion criteria provided. Collection method: literature only. Allele origin: germline. Not counted in ClinVar's aggregate classification.

Department of Pathology and Laboratory Medicine, Sinai Health System
Classification: Pathogenic for Pancreatic cancer, susceptibility to, 3. Review status: no assertion criteria provided. Collection method: clinical testing. Allele origin: unknown. Affected: yes. Study: The Canadian Open Genetics Repository (COGR). Not counted in ClinVar's aggregate classification.
Comment: The PALB2 p.Tyr1183* variant was identified in 11 of 15,266 proband chromosomes (frequency: 0.0007) from individuals or families with Fanconi anemia or ovarian, breast or pancreatic cancer and was not identified in 13,140 control chromosomes from healthy individuals (Reid 2007, Rahman 2007, Ramus 2015, Hofstatter 2011, Tischkowitz 2012, Thompson 2015, Ding 2011). The variant was identified in dbSNP (rs118203998) as â€šÃ„Ãºwith pathogenic allele, ClinVar (classified as pathogenic by Invitae, Color, GeneDx, Ambry Genetics and 8 other submitters; and as likely pathogenic by Peter MacCallum Cancer Centre) and LOVD 3.0 (observed 13x). The variant was identified in control databases in 4 of 246,208 chromosomes at a frequency of 0.00002 (Genome Aggregation Database Feb 27, 2017). The variant was observed in the European population in 4 of 111,674 chromosomes (freq: 0.00004); it was not observed in the African, Other, Latino, Ashkenazi Jewish, East Asian, Finnish or South Asian populations. The c.3549C>G variant leads to a premature stop codon at position 1183; this position is 4 residues from the C-terminus of the protein, which is not usually predicted to result in non-sense mediated decay. However, the PALB2 protein was absent in lymphoblastoid cells derived from patients expressing this variant (Reid 2007). Analysis of the PALB2 protein structure likely explains this protein absence as this variant is predicted to destabilize the PALB2 protein by preventing closure of the ring structure, resulting in incomplete protein folding and rapid degradation (Oliver 2009). Loss of function variants of the PALB2 gene are an established mechanism of disease in hereditary breast and ovarian cancer and is the type of variant expected to cause the disorder. In summary, based on the above information, this variant meets our laboratoryâ€šÃ„Ã´s criteria to be classified as pathogenic.

Literature cited by the submitters: PubMed 17200668 (cited by 9 submitters); PubMed 17200671 (cited by 12 submitters); PubMed 21365267 (cited by 5 submitters); PubMed 22241545 (cited by 7 submitters); PubMed 26315354 (cited by Labcorp Genetics (formerly Invitae), Labcorp and Color Diagnostics, LLC DBA Color Health); PubMed 19609323 (cited by 6 submitters); PubMed 25099575 (cited by 6 submitters); PubMed 21285249 (cited by Institute for Genomic Medicine (IGM) Clinical Laboratory, Nationwide Children's Hospital); PubMed 31757951 (cited by 4 submitters); PubMed 34113003 (cited by 3 submitters); PubMed 32546565 (cited by Institute for Genomic Medicine (IGM) Clinical Laboratory, Nationwide Children's Hospital and Color Diagnostics, LLC DBA Color Health); PubMed 32339256 (cited by 3 submitters); PubMed 32012241 (cited by Institute for Genomic Medicine (IGM) Clinical Laboratory, Nationwide Children's Hospital and Color Diagnostics, LLC DBA Color Health); PubMed 31841383 (cited by Institute for Genomic Medicine (IGM) Clinical Laboratory, Nationwide Children's Hospital and OMIM); PubMed 26283626 (cited by 4 submitters); PubMed 24949998 (cited by 3 submitters); PubMed 20927582 (cited by 6 submitters); PubMed 28008555 (cited by 3 submitters); PubMed 26296701 (cited by Institute for Genomic Medicine (IGM) Clinical Laboratory, Nationwide Children's Hospital and Color Diagnostics, LLC DBA Color Health); PubMed 38476606 (cited by Quest Diagnostics Nichols Institute San Juan Capistrano); PubMed 29360161 (cited by 4 submitters); PubMed 29753700 (cited by Quest Diagnostics Nichols Institute San Juan Capistrano); PubMed 28779002 (cited by Quest Diagnostics Nichols Institute San Juan Capistrano); PubMed 26681312 (cited by 5 submitters); PubMed 24415441 (cited by 4 submitters); PubMed 19264984 (cited by Ambry Genetics and Leiden Open Variation Database); PubMed 21165770 (cited by Ambry Genetics); PubMed 25452441 (cited by 3 submitters); PubMed 26845104 (cited by Ambry Genetics); PubMed 26898890 (cited by Ambry Genetics and Color Diagnostics, LLC DBA Color Health); PubMed 27356891 (cited by Ambry Genetics); PubMed 30322717 (cited by Ambry Genetics); PubMed 25225577 (cited by Color Diagnostics, LLC DBA Color Health); PubMed 26641009 (cited by Color Diagnostics, LLC DBA Color Health); PubMed 31575519 (cited by Color Diagnostics, LLC DBA Color Health); PubMed 31159747 (cited by Sema4); PubMed 24728327 (cited by Counsyl and ITMI); PubMed 19584259 (cited by Counsyl).